The following is an entry in ClinVar:

NM_017841.4(SDHAF2):c.261-5T>C

Gene: SDHAF2 (succinate dehydrogenase complex assembly factor 2; plus strand). Cytogenetic location: 11q12.2.
Variant type: single nucleotide variant.
Coding change: c.261-5T>C on transcript NM_017841.4 (MANE Select); 5 bases into the intron before coding-DNA position 261, T replaced by C.
Molecular consequence: intron variant.
Genome position (GRCh38, 1-based): chr11:61,437,999, T>C. VCF-style: chr11-61437999-T-C. GRCh37 (hg19) VCF-style: chr11-61205471-T-C.
Identifiers: ClinVar variation 5042122 (VCV005042122.1).

ClinVar aggregate classification (germline): Likely benign (1 of 4 stars; one submission).

Conditions:
Pheochromocytoma/paraganglioma syndrome 2. Also called: SDHAF2-Related Hereditary Paraganglioma-Pheochromocytoma Syndrome; GLOMUS TUMORS, FAMILIAL, 2; Paragangliomas 2; SDHAF2-Related Hereditary Paraganglioma-Pheochromocytoma Syndrome (Paragangliomas 2). Identifiers: Orphanet 29072, MedGen C1866552, MONDO:0011121, OMIM 601650.

Submission:

Myriad Genetics, Inc.
Classification: Likely benign for Pheochromocytoma/paraganglioma syndrome 2. Last evaluated: 2026-08-04. Review status: criteria provided, single submitter. Criteria: Myriad Autosomal Dominant, Autosomal Recessive and X-Linked Classification Criteria (2023). Collection method: clinical testing. Allele origin: unknown.
Comment: This variant is considered likely benign. This variant is intronic and is not expected to impact mRNA splicing.